The following is an entry in ClinVar:

NM_004181.5(UCHL1):c.-1G>A

Gene: UCHL1 (ubiquitin C-terminal hydrolase L1; plus strand). Cytogenetic location: 4p13.
Variant type: single nucleotide variant.
Coding change: c.-1G>A on transcript NM_004181.5 (MANE Select); 1 bases upstream of the start codon, G replaced by A.
Molecular consequence: 5 prime UTR variant.
Genome position (GRCh38, 1-based): chr4:41,256,976, G>A. VCF-style: chr4-41256976-G-A. GRCh37 (hg19) VCF-style: chr4-41258993-G-A.
Identifiers: ClinVar variation 5041836 (VCV005041836.1).
Genomic context (GRCh38, chr4:41,256,976, plus strand): 5'-GGCGGCTCCGCTAGCTGTTTTTCGTCTTCCCTAGGCTATTTCTGCCGGGCGCTCCGCGAA[G>A]ATGCAGCTCAAGCCGATGGAGATCAACCCCGAGGTGAGCGCCAGGTGCACCGCTACCCGG-3'

ClinVar aggregate classification (germline): Uncertain significance (1 of 4 stars; one submission).

gnomAD v4.1: 1 of 1,614,198 alleles (0.000062%); highest among the groups gnomAD compares: South Asian, 0.0011%; no homozygotes.

Submission:

CeGaT Center for Human Genetics Tuebingen
Classification: Uncertain significance. Last evaluated: 2026-09-01. Review status: criteria provided, single submitter. Criteria: CeGaT Center For Human Genetics Tuebingen Variant Classification Criteria Version 2. Collection method: clinical testing. Allele origin: germline. Affected: yes. Observed: 1 variant allele.
Comment: UCHL1: PM2, BP4